The following is an entry in ClinVar:

ClinVar aggregate classification (germline): Uncertain significance. Review status: criteria provided, multiple submitters, no conflicts (2 of 4 stars). 2 submissions from 2 submitters: Uncertain significance (2). Last evaluated 2025-09-07.

Conditions:
Cardiovascular phenotype. Identifiers: MedGen CN230736.
Hereditary cancer-predisposing syndrome. Also called: Hereditary neoplastic syndrome; Tumor predisposition; Hereditary Cancer Syndrome; Neoplastic Syndromes, Hereditary. Identifiers: Orphanet 140162, MedGen C0027672, MeSH D009386, MONDO:0015356.

gnomAD v4.1: 1 of 1,570,300 alleles (0.000064%); highest among the groups gnomAD compares: African/African-American, 0.0013%; no homozygotes.

Submissions (2):

Ambry Genetics
Classification: Uncertain significance for Cardiovascular phenotype; Hereditary cancer-predisposing syndrome. Last evaluated: 2025-09-07. Review status: criteria provided, single submitter. Criteria: Ambry Variant Classification Scheme 2023. Collection method: clinical testing. Allele origin: germline.
Comment: The p.A15T variant (also known as c.43G>A), located in coding exon 1 of the LZTR1 gene, results from a G to A substitution at nucleotide position 43. The alanine at codon 15 is replaced by threonine, an amino acid with similar properties. This amino acid position is conserved. In addition, this alteration is predicted to be tolerated by in silico analysis. Based on the available evidence, the clinical significance of this variant remains unclear.

Labcorp Genetics (formerly Invitae), Labcorp
Classification: Uncertain significance. Last evaluated: 2024-10-06. Review status: criteria provided, single submitter. Criteria: Invitae Variant Classification Sherloc (09022015). Collection method: clinical testing. Allele origin: germline.
Comment: This sequence change replaces alanine, which is neutral and non-polar, with threonine, which is neutral and polar, at codon 15 of the LZTR1 protein (p.Ala15Thr). This variant is not present in population databases (gnomAD no frequency). This variant has not been reported in the literature in individuals affected with LZTR1-related conditions. Invitae Evidence Modeling of protein sequence and biophysical properties (such as structural, functional, and spatial information, amino acid conservation, physicochemical variation, residue mobility, and thermodynamic stability) indicates that this missense variant is not expected to disrupt LZTR1 protein function with a negative predictive value of 95%. In summary, the available evidence is currently insufficient to determine the role of this variant in disease. Therefore, it has been classified as a Variant of Uncertain Significance.

NM_006767.4(LZTR1):c.43G>A (p.Ala15Thr)

Genes: LZTR1 (leucine zipper like post translational regulator 1; plus strand), LOC130067016 (ATAC-STARR-seq lymphoblastoid silent region 13504; plus strand). Cytogenetic location: 22q11.21.
Variant type: single nucleotide variant.
Coding change: c.43G>A on transcript NM_006767.4 (MANE Select); coding-DNA position 43, G replaced by A.
Protein change: p.Ala15Thr; replaces alanine 15 with threonine.
Molecular consequence: missense variant.
Genome position (GRCh38, 1-based): chr22:20,982,414, G>A. VCF-style: chr22-20982414-G-A. GRCh37 (hg19) VCF-style: chr22-21336703-G-A.
Other names: c.43G>A (NM_006767.3); short protein forms A15T.
Identifiers: ClinVar variation 3706370 (VCV003706370.3).